The following is an entry in ClinVar:

ClinVar aggregate classification (germline): Likely pathogenic (1 of 4 stars; one submission).

Conditions:
Amyotrophic lateral sclerosis type 10 (ALS10). Also called: AMYOTROPHIC LATERAL SCLEROSIS 10 WITHOUT FRONTOTEMPORAL DEMENTIA AND WITH TDP43 INCLUSIONS; AMYOTROPHIC LATERAL SCLEROSIS 10 WITH OR WITHOUT FRONTOTEMPORAL DEMENTIA AND WITH TDP43 INCLUSIONS; AMYOTROPHIC LATERAL SCLEROSIS 10 WITH OR WITHOUT FRONTOTEMPORAL DEMENTIA; Amyotrophic lateral sclerosis 10, with or without FTD; TARDBP-Related Amyotrophic Lateral Sclerosis-Frontotemporal Dementia. Identifiers: Orphanet 275872, Orphanet 803, MedGen C2677565, MONDO:0012790, OMIM 612069.
FRONTOTEMPORAL LOBAR DEGENERATION WITH TDP43 INCLUSIONS, TARDBP-RELATED. Also called: Frontotemporal lobar degeneration, TARDBP-related. Identifiers: MedGen C3150169, OMIM 612069.

Allele frequency attached by ClinVar (database versions not stated): gnomAD exomes below 0.00001.

Submission:

Labcorp Genetics (formerly Invitae), Labcorp
Classification: Likely pathogenic for Amyotrophic lateral sclerosis type 10; FRONTOTEMPORAL LOBAR DEGENERATION WITH TDP43 INCLUSIONS, TARDBP-RELATED. Last evaluated: 2025-02-19. Review status: criteria provided, single submitter. Criteria: Invitae Variant Classification Sherloc (09022015). Collection method: clinical testing. Allele origin: germline.
Comment: This sequence change replaces asparagine, which is neutral and polar, with aspartic acid, which is acidic and polar, at codon 378 of the TARDBP protein (p.Asn378Asp). This variant is not present in population databases (gnomAD no frequency). This missense change has been observed in individuals with amyotrophic lateral sclerosis (PMID: 20031275, 20472325, 28430856, 31866807, 32462798, 34333853, 35932023; internal data). ClinVar contains an entry for this variant (Variation ID: 939152). An algorithm developed to predict the effect of missense changes on protein structure and function (PolyPhen-2) suggests that this variant is likely to be tolerated. Experimental studies are conflicting or provide insufficient evidence to determine the effect of this variant on TARDBP function (PMID: 23235148). This variant disrupts the p.Asn378 amino acid residue in TARDBP. Other variant(s) that disrupt this residue have been observed in individuals with TARDBP-related conditions (PMID: 20708823), which suggests that this may be a clinically significant amino acid residue. In summary, the currently available evidence indicates that the variant is pathogenic, but additional data are needed to prove that conclusively. Therefore, this variant has been classified as Likely Pathogenic.

Literature cited by the submitters: PubMed 20031275; PubMed 20472325; PubMed 28430856; PubMed 31866807; PubMed 32462798; PubMed 34333853; PubMed 35932023; PubMed 23235148; PubMed 20708823.

NM_007375.4(TARDBP):c.1132A>G (p.Asn378Asp)

Gene: TARDBP (TAR DNA binding protein; plus strand). Cytogenetic location: 1p36.22.
Variant type: single nucleotide variant.
Coding change: c.1132A>G on transcript NM_007375.4 (MANE Select); coding-DNA position 1132, A replaced by G.
Protein change: p.Asn378Asp; replaces asparagine 378 with aspartic acid.
Molecular consequence: missense variant.
Genome position (GRCh38, 1-based): chr1:11,022,541, A>G. VCF-style: chr1-11022541-A-G. GRCh37 (hg19) VCF-style: chr1-11082598-A-G.
Other names: short protein forms N378D.
Identifiers: ClinVar variation 939152 (VCV000939152.7), dbSNP rs1557660662, ClinGen allele CA338368255.